The following is an entry in ClinVar:

NM_001164508.2(NEB):c.14597A>G (p.Lys4866Arg)

Gene: NEB (nebulin; minus strand). Cytogenetic location: 2q23.3.
Variant type: single nucleotide variant.
Coding change: c.14597A>G on transcript NM_001164508.2 (MANE Select); coding-DNA position 14597, A replaced by G.
Protein change: p.Lys4866Arg; replaces lysine 4866 with arginine.
Molecular consequence: missense variant. On other transcripts: intron variant (1).
Genome position (GRCh38, 1-based): chr2:151,593,140, T>C on the plus strand (A>G on the coding strand, the complement: NEB is on the minus strand). VCF-style: chr2-151593140-T-C. GRCh37 (hg19) VCF-style: chr2-152449654-T-C.
Other names: c.14597A>G, p.Lys4866Arg (NM_001164507.2, NM_001271208.2); c.11601+16669A>G (NM_004543.5); short protein forms K4866R.
Identifiers: ClinVar variation 387362 (VCV000387362.1), dbSNP rs1057522768, ClinGen allele CA16603870.
Genomic context (GRCh38, chr2:151,593,140, plus strand): 5'-AATTTGAGGGCCTCAGGCTTTATACGATACAGCCTTTCATTCAAGAGATTCTGGGCATTC[T>C]TCACTCTCATCACTTCCACAGAACCCTCTGGCAACCATCCAATACCCTTCAGCCATTCCA-3'
Protein context (NP_001157980.2, residues 4856-4876): PEGSVEVMRV[Lys4866Arg]NAQNLLNERL

ClinVar aggregate classification (germline): Likely benign (1 of 4 stars; one submission).

Submission:

GeneDx
Classification: Likely benign. Last evaluated: 2016-06-28. Review status: criteria provided, single submitter. Criteria: GeneDx Variant Classification (06012015). Collection method: clinical testing. Allele origin: germline. Affected: yes.
Comment: This variant is considered likely benign or benign based on one or more of the following criteria: it is a conservative change, it occurs at a poorly conserved position in the protein, it is predicted to be benign by multiple in silico algorithms, and/or has population frequency not consistent with disease.